The following is an entry in ClinVar:

ClinVar aggregate classification (germline): Uncertain significance (1 of 4 stars; one submission).

Submission:

Labcorp Genetics (formerly Invitae), Labcorp
Classification: Uncertain significance. Last evaluated: 2023-11-24. Review status: criteria provided, single submitter. Criteria: Invitae Variant Classification Sherloc (09022015). Collection method: clinical testing. Allele origin: germline.
Comment: This sequence change replaces histidine, which is basic and polar, with tyrosine, which is neutral and polar, at codon 678 of the ZSWIM6 protein (p.His678Tyr). This variant is not present in population databases (gnomAD no frequency). This variant has not been reported in the literature in individuals affected with ZSWIM6-related conditions. Advanced modeling of protein sequence and biophysical properties (such as structural, functional, and spatial information, amino acid conservation, physicochemical variation, residue mobility, and thermodynamic stability) performed at Invitae indicates that this missense variant is not expected to disrupt ZSWIM6 protein function with a negative predictive value of 80%. In summary, the available evidence is currently insufficient to determine the role of this variant in disease. Therefore, it has been classified as a Variant of Uncertain Significance.

NM_020928.2(ZSWIM6):c.2032C>T (p.His678Tyr)

Gene: ZSWIM6 (zinc finger SWIM-type containing 6; plus strand). Cytogenetic location: 5q12.1.
Variant type: single nucleotide variant.
Coding change: c.2032C>T on transcript NM_020928.2 (MANE Select); coding-DNA position 2032, C replaced by T.
Protein change: p.His678Tyr; replaces histidine 678 with tyrosine.
Molecular consequence: missense variant.
Genome position (GRCh38, 1-based): chr5:61,531,512, C>T. VCF-style: chr5-61531512-C-T. GRCh37 (hg19) VCF-style: chr5-60827339-C-T.
Other names: short protein forms H678Y.
Identifiers: ClinVar variation 2767010 (VCV002767010.3), dbSNP rs2478365782, ClinGen allele CA359944436.